The following is an entry in ClinVar:

ClinVar aggregate classification (germline): Uncertain significance (1 of 4 stars; one submission).

Submission:

Labcorp Genetics (formerly Invitae), Labcorp
Classification: Uncertain significance. Last evaluated: 2023-05-28. Review status: criteria provided, single submitter. Criteria: Invitae Variant Classification Sherloc (09022015). Collection method: clinical testing. Allele origin: germline.
Comment: An algorithm developed to predict the effect of missense changes on protein structure and function (PolyPhen-2) suggests that this variant is likely to be tolerated. In summary, the available evidence is currently insufficient to determine the role of this variant in disease. Therefore, it has been classified as a Variant of Uncertain Significance. This variant has not been reported in the literature in individuals affected with HR-related conditions. This variant is present in population databases (no rsID available, gnomAD 0.0009%). This sequence change replaces alanine, which is neutral and non-polar, with valine, which is neutral and non-polar, at codon 964 of the HR protein (p.Ala964Val).

NM_005144.5(HR):c.2891C>T (p.Ala964Val)

Gene: HR (HR lysine demethylase and nuclear receptor corepressor; minus strand). Cytogenetic location: 8p21.3.
Variant type: single nucleotide variant.
Coding change: c.2891C>T on transcript NM_005144.5 (MANE Select); coding-DNA position 2891, C replaced by T.
Protein change: p.Ala964Val; replaces alanine 964 with valine.
Molecular consequence: missense variant.
Genome position (GRCh38, 1-based): chr8:22,119,846, G>A on the plus strand (C>T on the coding strand, the complement: HR is on the minus strand). VCF-style: chr8-22119846-G-A. GRCh37 (hg19) VCF-style: chr8-21977359-G-A.
Other names: c.2891C>T, p.Ala964Val (NM_018411.4); short protein forms A964V.
Identifiers: ClinVar variation 2802890 (VCV002802890.3), dbSNP rs768042859, ClinGen allele CA370517411.